The following is an entry in ClinVar:

NM_005045.4(RELN):c.7015C>T (p.Pro2339Ser)

Gene: RELN (reelin; minus strand). Cytogenetic location: 7q22.1.
Variant type: single nucleotide variant.
Coding change: c.7015C>T on transcript NM_005045.4 (MANE Select); coding-DNA position 7015, C replaced by T.
Protein change: p.Pro2339Ser; replaces proline 2339 with serine.
Molecular consequence: missense variant.
Genome position (GRCh38, 1-based): chr7:103,539,243, G>A on the plus strand (C>T on the coding strand, the complement: RELN is on the minus strand). VCF-style: chr7-103539243-G-A. GRCh37 (hg19) VCF-style: chr7-103179690-G-A.
Other names: c.7015C>T, p.Pro2339Ser (NM_173054.3); short protein forms P2339S.
Identifiers: ClinVar variation 1714110 (VCV001714110.5), dbSNP rs2484785439, ClinGen allele CA368769329.

ClinVar aggregate classification (germline): Uncertain significance (1 of 4 stars; one submission).

Conditions:
Familial temporal lobe epilepsy 7. Identifiers: Orphanet 101046, MedGen C4225327, MONDO:0014639, OMIM 616436.
Norman-Roberts syndrome (LIS2). Also called: Lissencephaly 2 (Norman-Roberts type). Identifiers: Orphanet 89844, MedGen C0796089, MONDO:0009760, OMIM 257320.

Submission:

Labcorp Genetics (formerly Invitae), Labcorp
Classification: Uncertain significance for Familial temporal lobe epilepsy 7; Norman-Roberts syndrome. Last evaluated: 2024-02-17. Review status: criteria provided, single submitter. Criteria: Invitae Variant Classification Sherloc (09022015). Collection method: clinical testing. Allele origin: germline.
Comment: This sequence change replaces proline, which is neutral and non-polar, with serine, which is neutral and polar, at codon 2339 of the RELN protein (p.Pro2339Ser). This variant is not present in population databases (gnomAD no frequency). This variant has not been reported in the literature in individuals affected with RELN-related conditions. ClinVar contains an entry for this variant (Variation ID: 1714110). Advanced modeling of protein sequence and biophysical properties (such as structural, functional, and spatial information, amino acid conservation, physicochemical variation, residue mobility, and thermodynamic stability) performed at Invitae indicates that this missense variant is not expected to disrupt RELN protein function with a negative predictive value of 80%. In summary, the available evidence is currently insufficient to determine the role of this variant in disease. Therefore, it has been classified as a Variant of Uncertain Significance.